The following is an entry in ClinVar:

NM_152564.5(VPS13B):c.*305G>A

Gene: VPS13B (vacuolar protein sorting 13 homolog B; plus strand). Cytogenetic location: 8q22.2.
Variant type: single nucleotide variant.
Coding change: c.*305G>A on transcript NM_152564.5 (MANE Select); 305 bases downstream of the stop codon, G replaced by A.
Molecular consequence: 3 prime UTR variant.
Genome position (GRCh38, 1-based): chr8:99,875,971, G>A. VCF-style: chr8-99875971-G-A. GRCh37 (hg19) VCF-style: chr8-100888199-G-A.
Other names: c.*305G>A (NM_017890.5).
Identifiers: ClinVar variation 361103 (VCV000361103.5), dbSNP rs149912942, ClinGen allele CA10628548.

ClinVar aggregate classification (germline): Likely benign (1 of 4 stars; one submission).

Conditions:
Cohen syndrome (COH1). Also called: PEPPER SYNDROME; Cutis verticis gyrata, retinitis pigmentosa, and sensorineural deafness. Identifiers: Orphanet 193, MedGen C0265223, MONDO:0008999, OMIM 216550.

Allele frequency attached by ClinVar (database versions not stated): gnomAD 0.00032 and 0.00038; TOPMed 0.00042; 1000 Genomes Project 0.00060; 1000 Genomes Project 30x 0.00062; gnomAD exomes 0.00067.
gnomAD v4.1: 230 of 404,934 alleles (0.057%); highest among the groups gnomAD compares: South Asian, 0.18%; 3 homozygotes.

Submission:

Illumina Laboratory Services, Illumina
Classification: Likely benign for Cohen syndrome. Last evaluated: 2018-01-13. Review status: criteria provided, single submitter. Criteria: ICSL Variant Classification Criteria 13 December 2019. Collection method: clinical testing. Allele origin: germline.
Comment: This variant was observed in the ICSL laboratory as part of a predisposition screen in an ostensibly healthy population. It had not been previously curated by ICSL or reported in the Human Gene Mutation Database (HGMD: prior to June 1st, 2018), and was therefore a candidate for classification through an automated scoring system. Utilizing variant allele frequency, disease prevalence and penetrance estimates, and inheritance mode, an automated score was calculated to assess if this variant is too frequent to cause the disease. Based on the score and internal cut-off values, a variant classified as likely benign is not then subjected to further curation. The score for this variant resulted in a classification of likely benign for this disease.